The following is an entry in ClinVar:

ClinVar aggregate classification (germline): Likely benign. Review status: criteria provided, multiple submitters, no conflicts (2 of 4 stars). 4 submissions from 4 submitters: Likely benign (3). 1 of the submissions does not count toward it. Last evaluated 2022-11-23.

Conditions:
TERT-related disorder. Also called: TERT-related condition; TERT-related disorders.
Dyskeratosis congenita. Identifiers: Orphanet 1775, MedGen C0265965, MONDO:0015780.
Idiopathic Pulmonary Fibrosis. Also called: Idiopathic fibrosing alveolitis, chronic form; idiopathic fibrosing alveolitis. Identifiers: Orphanet 2032, MedGen C1800706, MeSH D054990, MONDO:0800504.
Dyskeratosis congenita, autosomal dominant 2. Identifiers: MedGen C3151443, MONDO:0013521, OMIM 613989.

gnomAD v4.1: 6 of 1,543,570 alleles (0.00039%); highest among the groups gnomAD compares: Non-Finnish European, 0.00052%; no homozygotes.

Submissions (4):

Ambry Genetics
Classification: Likely benign for Dyskeratosis congenita. Last evaluated: 2022-11-23. Review status: criteria provided, single submitter. Criteria: Ambry Variant Classification Scheme 2023. Collection method: clinical testing. Allele origin: germline.

Labcorp Genetics (formerly Invitae), Labcorp
Classification: Likely benign for Dyskeratosis congenita, autosomal dominant 2; Idiopathic Pulmonary Fibrosis. Last evaluated: 2022-10-13. Review status: criteria provided, single submitter. Criteria: Invitae Variant Classification Sherloc (09022015). Collection method: clinical testing. Allele origin: germline.

Blueprint Genetics
Classification: Likely benign. Last evaluated: 2022-03-11. Review status: criteria provided, single submitter. Criteria: ACMG Guidelines, 2015. Collection method: clinical testing. Allele origin: germline.

PreventionGenetics, part of Exact Sciences
Classification: Likely benign for TERT-related condition. Last evaluated: 2021-02-19. Review status: no assertion criteria provided. Collection method: clinical testing. Allele origin: germline. Not counted in ClinVar's aggregate classification.
Comment: This variant is classified as likely benign based on ACMG/AMP sequence variant interpretation guidelines (Richards et al. 2015 PMID: 25741868, with internal and published modifications).

NM_198253.3(TERT):c.957G>C (p.Thr319=)

Gene: TERT (telomerase reverse transcriptase; minus strand). Cytogenetic location: 5p15.33.
Variant type: single nucleotide variant.
Coding change: c.957G>C on transcript NM_198253.3 (MANE Select); coding-DNA position 957, G replaced by C.
Protein change: p.Thr319=; no amino-acid change (threonine 319 retained).
Molecular consequence: synonymous variant. On other transcripts: non-coding transcript variant (2).
Genome position (GRCh38, 1-based): chr5:1,293,929, C>G on the plus strand (G>C on the coding strand, the complement: TERT is on the minus strand). VCF-style: chr5-1293929-C-G. GRCh37 (hg19) VCF-style: chr5-1294044-C-G.
Other names: c.957G>C (NM_198253.2); c.957G>C, p.Thr319= (NM_001193376.3).
Identifiers: ClinVar variation 1137469 (VCV001137469.14), dbSNP rs1018341020, ClinGen allele CA443240011.
Genomic context (GRCh38, chr5:1,293,929, plus strand): 5'-CTCCTTGTCGCCTGAGGAGTAGAGGAAGTGCTTGGTCTCGGCGTACACCGGGGGACAAGG[C>G]GTGTCCCAGGGACGTGGTGGCCGCGATGTGGATGGGGGGCCCGCGTGGTGCTGGCGGCCC-3'
Protein context (NP_937983.2, residues 309-329): STSRPPRPWD[Thr319=]PCPPVYAETK